The following is an entry in ClinVar:

NM_007272.3(CTRC):c.392T>G (p.Val131Gly)

Gene: CTRC (chymotrypsin C; plus strand). Cytogenetic location: 1p36.21.
Variant type: single nucleotide variant.
Coding change: c.392T>G on transcript NM_007272.3 (MANE Select); coding-DNA position 392, T replaced by G.
Protein change: p.Val131Gly; replaces valine 131 with glycine.
Molecular consequence: missense variant.
Genome position (GRCh38, 1-based): chr1:15,443,454, T>G. VCF-style: chr1-15443454-T-G. GRCh37 (hg19) VCF-style: chr1-15769949-T-G.
Other names: short protein forms V131G.
Identifiers: ClinVar variation 3226070 (VCV003226070.1), dbSNP rs2526297122, ClinGen allele CA338566028.

ClinVar aggregate classification (germline): Uncertain significance (1 of 4 stars; one submission).

Conditions:
Hereditary pancreatitis (PCTT). Also called: Hereditary chronic pancreatitis; PRSS1-Related Hereditary Pancreatitis. Identifiers: Orphanet 676, MedGen C0238339, MONDO:0008185, OMIM 167800.

Submission:

Ambry Genetics
Classification: Uncertain significance for Hereditary pancreatitis. Last evaluated: 2024-03-02. Review status: criteria provided, single submitter. Criteria: Ambry Variant Classification Scheme 2023. Collection method: clinical testing. Allele origin: germline.
Comment: The p.V131G variant (also known as c.392T>G), located in coding exon 5 of the CTRC gene, results from a T to G substitution at nucleotide position 392. The valine at codon 131 is replaced by glycine, an amino acid with dissimilar properties. This amino acid position is conserved. In addition, this alteration is predicted to be deleterious by in silico analysis. Based on the available evidence, the clinical significance of this alteration remains unclear.